The following is an entry in ClinVar:

ClinVar aggregate classification (germline): Uncertain significance. Review status: criteria provided, multiple submitters, no conflicts (2 of 4 stars). 2 submissions from 2 submitters: Uncertain significance (2). Last evaluated 2025-01-21.

Conditions:
Inborn genetic diseases. Identifiers: MedGen C0950123, MeSH D030342.

Allele frequency attached by ClinVar (database versions not stated): gnomAD exomes 0.00001; ExAC 0.00005; TOPMed 0.00006; gnomAD 0.00007; ESP Exome Variant Server 0.00016.
gnomAD v4.1: 23 of 1,559,020 alleles (0.0015%); highest among the groups gnomAD compares: African/African-American, 0.015%; no homozygotes.

Submissions (2):

Ambry Genetics
Classification: Uncertain significance for Inborn genetic diseases. Last evaluated: 2025-01-21. Review status: criteria provided, single submitter. Criteria: Ambry Variant Classification Scheme 2023. Collection method: clinical testing. Allele origin: germline.

Women's Health and Genetics/Laboratory Corporation of America, LabCorp
Classification: Uncertain significance. Last evaluated: 2024-04-24. Review status: criteria provided, single submitter. Criteria: LabCorp Variant Classification Summary - May 2015. Collection method: clinical testing. Allele origin: germline.
Comment: Variant summary: SETD1A c.2519C>T (p.Ala840Val) results in a non-conservative amino acid change in the encoded protein sequence. Four of five in-silico tools predict a benign effect of the variant on protein function. The variant allele was found at a frequency of 1.5e-05 in 1559020 control chromosomes. To our knowledge, no occurrence of c.2519C>T in individuals affected with Neurodevelopmental Disorder With Speech Impairment And Dysmorphic Facies and no experimental evidence demonstrating its impact on protein function have been reported. No submitters have cited clinical-significance assessments for this variant to ClinVar. Based on the evidence outlined above, the variant was classified as VUS-possibly benign.

NM_014712.3(SETD1A):c.2519C>T (p.Ala840Val)

Gene: SETD1A (SET domain containing 1A, histone lysine methyltransferase; plus strand). Cytogenetic location: 16p11.2.
Variant type: single nucleotide variant.
Coding change: c.2519C>T on transcript NM_014712.3 (MANE Select); coding-DNA position 2519, C replaced by T.
Protein change: p.Ala840Val; replaces alanine 840 with valine.
Molecular consequence: missense variant.
Genome position (GRCh38, 1-based): chr16:30,966,897, C>T. VCF-style: chr16-30966897-C-T. GRCh37 (hg19) VCF-style: chr16-30978218-C-T.
Other names: c.2519C>T (NM_014712.1); short protein forms A840V.
Identifiers: ClinVar variation 3251709 (VCV003251709.2), dbSNP rs144470571.